The following is an entry in ClinVar:

ClinVar aggregate classification (germline): Conflicting classifications of pathogenicity. Review status: criteria provided, conflicting classifications (1 of 4 stars). 2 submissions from 2 submitters: Likely pathogenic (1); Uncertain significance (1). Last evaluated 2026-05-11.

Conditions:
Cardiovascular phenotype. Identifiers: MedGen CN230736.
Dilated cardiomyopathy 1G (CMD1G). Identifiers: Orphanet 154, MedGen C1858763, MONDO:0011400, OMIM 604145.
Autosomal recessive limb-girdle muscular dystrophy type 2J (LGMDR10). Also called: Limb-girdle muscular dystrophy, type 2J; MUSCULAR DYSTROPHY, LIMB-GIRDLE, AUTOSOMAL RECESSIVE 10. Identifiers: Orphanet 140922, MedGen C1837342, MONDO:0012127, OMIM 608807.

Submissions (2):

Ambry Genetics
Classification: Uncertain significance for Cardiovascular phenotype. Last evaluated: 2026-05-11. Review status: criteria provided, single submitter. Criteria: Ambry Variant Classification Scheme 2023. Collection method: clinical testing. Allele origin: germline.
Comment: The c.37478-1G>A intronic variant results from a G to A substitution one nucleotide upstream from coding exon 137 of the TTN gene. This exon is located in the A-band region of the N2-B isoform of the titin protein and is constitutively expressed in TTN transcripts (percent spliced in or PSI 100%). This nucleotide position is highly conserved in available vertebrate species. In silico splice site analysis predicts that this alteration will weaken the native splice acceptor site and will result in the creation or strengthening of a novel splice acceptor site. This variant disrupts the canonical splice site and is expected to cause aberrant splicing. However, although direct evidence is unavailable, this variant is predicted to result in an in-frame transcript that is not expected to trigger nonsense-mediated mRNA decay. The exact functional effect of the predicted splice impact is unknown. Based on the available evidence, the clinical significance of this variant remains unclear.

Labcorp Genetics (formerly Invitae), Labcorp
Classification: Likely pathogenic for Dilated cardiomyopathy 1G; Autosomal recessive limb-girdle muscular dystrophy type 2J. Last evaluated: 2024-10-15. Review status: criteria provided, single submitter. Criteria: Invitae Variant Classification Sherloc (09022015). Collection method: clinical testing. Allele origin: germline.
Comment: This sequence change affects an acceptor splice site in intron 309 of the TTN gene. It is expected to disrupt RNA splicing and likely results in a truncated or disrupted TTN protein. This variant is not present in population databases (gnomAD no frequency). This variant has not been reported in the literature in individuals affected with TTN-related conditions. ClinVar contains an entry for this variant (Variation ID: 1517039). Algorithms developed to predict the effect of sequence changes on RNA splicing suggest that this variant may disrupt the consensus splice site. This variant is located in the A band of TTN (PMID: 25589632). Truncating variants in this region are significantly overrepresented in patients affected with dilated cardiomyopathy (PMID: 25589632). Truncating variants in this region have also been reported in individuals affected with autosomal recessive centronuclear myopathy (PMID: 23975875). In summary, the currently available evidence indicates that the variant is pathogenic, but additional data are needed to prove that conclusively. Therefore, this variant has been classified as Likely Pathogenic.

Literature cited by the submitters: PubMed 25589632 (cited by Labcorp Genetics (formerly Invitae), Labcorp); PubMed 23975875 (cited by Labcorp Genetics (formerly Invitae), Labcorp).

NM_001267550.2(TTN):c.64673-1G>A

Genes: TTN (titin; minus strand), TTN-AS1 (TTN antisense RNA 1; plus strand). Cytogenetic location: 2q31.2.
Variant type: single nucleotide variant.
Coding change: c.64673-1G>A on transcript NM_001267550.2 (MANE Select); the canonical splice acceptor site of the intron before coding-DNA position 64673, G replaced by A.
Molecular consequence: splice acceptor variant. On other transcripts: non-coding transcript variant (1).
Genome position (GRCh38, 1-based): chr2:178,584,969, C>T on the plus strand (G>A on the coding strand, the complement: TTN is on the minus strand). VCF-style: chr2-178584969-C-T. GRCh37 (hg19) VCF-style: chr2-179449696-C-T.
Other names: c.37478-1G>A (NM_003319.4); c.38054-1G>A (NM_133437.4); c.37853-1G>A (NM_133432.3); c.56969-1G>A (NM_133378.4); c.59750-1G>A (NM_001256850.1).
Identifiers: ClinVar variation 1517039 (VCV001517039.9), dbSNP rs2154180190, ClinGen allele CA349438492.
Genomic context (GRCh38, chr2:178,584,969, plus strand): 5'-AGCAAGCATCAGCGTCTATATCAGAAATGTCAAATGGAGGCTGAGGGGGGCCGGGGGCAT[C>T]TACATGAACCAAGAGGAAAGAAATGTAAGAACAAGGATTTGATACGTAAAAATATTTCTG-3'